The following is an entry in ClinVar:

NM_000038.6(APC):c.6574A>G (p.Lys2192Glu)

Gene: APC (APC regulator of Wnt signaling pathway; plus strand). Cytogenetic location: 5q22.2.
Variant type: single nucleotide variant.
Coding change: c.6574A>G on transcript NM_000038.6 (MANE Select); coding-DNA position 6574, A replaced by G.
Protein change: p.Lys2192Glu; replaces lysine 2192 with glutamic acid.
Molecular consequence: missense variant.
Genome position (GRCh38, 1-based): chr5:112,842,168, A>G. VCF-style: chr5-112842168-A-G. GRCh37 (hg19) VCF-style: chr5-112177865-A-G.
Other names: c.6574A>G, p.Lys2192Glu (NM_001127510.3, NM_001354895.2); c.6520A>G, p.Lys2174Glu (NM_001127511.3); c.6628A>G, p.Lys2210Glu (NM_001354896.2); c.6604A>G, p.Lys2202Glu (NM_001354897.2); c.6499A>G, p.Lys2167Glu (NM_001354898.2); c.6490A>G, p.Lys2164Glu (NM_001354899.2); c.6451A>G, p.Lys2151Glu (NM_001354900.2); c.6397A>G, p.Lys2133Glu (NM_001354901.2); and 5 more; short protein forms K2032E, K2101E, K1909E, K2066E, K2091E, K2133E, K2151E, K2164E.
Identifiers: ClinVar variation 826494 (VCV000826494.12), dbSNP rs756512551, ClinGen allele CA045401.

ClinVar aggregate classification (germline): Uncertain significance. Review status: criteria provided, multiple submitters, no conflicts (2 of 4 stars). 3 submissions from 3 submitters: Uncertain significance (3). Last evaluated 2025-03-03.

Conditions:
Classic or attenuated familial adenomatous polyposis. Identifiers: MedGen CN372698, MONDO:0021057.
Familial adenomatous polyposis 1 (FAP1). Also called: POLYPOSIS, ADENOMATOUS INTESTINAL; FAMILIAL ADENOMATOUS POLYPOSIS 1, ATTENUATED. Identifiers: MedGen C2713442, MONDO:0021056, OMIM 175100. Disease mechanism: loss of function.
Hereditary cancer-predisposing syndrome. Also called: Neoplastic Syndromes, Hereditary; Tumor predisposition; Hereditary neoplastic syndrome; Hereditary Cancer Syndrome. Identifiers: Orphanet 140162, MedGen C0027672, MeSH D009386, MONDO:0015356.

Allele frequency attached by ClinVar (database versions not stated): gnomAD exomes below 0.00001; ExAC 0.00002.
gnomAD v4.1: 2 of 1,612,900 alleles (0.00012%); highest among the groups gnomAD compares: Admixed American, 0.0033%; no homozygotes.

Submissions (3):

Ambry Genetics
Classification: Uncertain significance for Hereditary cancer-predisposing syndrome. Last evaluated: 2025-03-03. Review status: criteria provided, single submitter. Criteria: Ambry Variant Classification Scheme 2023. Collection method: clinical testing. Allele origin: germline.
Comment: The p.K2192E variant (also known as c.6574A>G), located in coding exon 15 of the APC gene, results from an A to G substitution at nucleotide position 6574. The lysine at codon 2192 is replaced by glutamic acid, an amino acid with similar properties. This amino acid position is highly conserved in available vertebrate species. In addition, in silico predictors for this gene do not accurately predict pathogenicity. Since supporting evidence is limited at this time, the clinical significance of this alteration remains unclear.

All of Us Research Program, National Institutes of Health
Classification: Uncertain significance for Classic or attenuated familial adenomatous polyposis. Last evaluated: 2024-05-30. Review status: criteria provided, single submitter. Criteria: ACMG Guidelines, 2015. Collection method: clinical testing. Allele origin: germline. Inheritance: Autosomal dominant inheritance. Observed: 2 variant alleles, 2 heterozygotes.
Comment: This missense variant replaces lysine with glutamic acid at codon 2192 of the APC protein. Computational prediction suggests that this variant may not impact protein structure and function (internally defined REVEL score threshold <= 0.5, PMID: 27666373). To our knowledge, functional studies have not been reported for this variant. This variant has not been reported in individuals affected with APC-related disorders in the literature. This variant has been identified in 1/248982 chromosomes in the general population by the Genome Aggregation Database (gnomAD). The available evidence is insufficient to determine the role of this variant in disease conclusively. Therefore, this variant is classified as a Variant of Uncertain Significance.

This study involves interpretation of variants in research participants for the purpose of population health screening. Participant phenotype was not available at the time of variant classification. Additional details can be found in publication PMID: 35346344, PMCID: PMC8962531

Labcorp Genetics (formerly Invitae), Labcorp
Classification: Uncertain significance for Familial adenomatous polyposis 1. Last evaluated: 2022-11-29. Review status: criteria provided, single submitter. Criteria: Invitae Variant Classification Sherloc (09022015). Collection method: clinical testing. Allele origin: germline.
Comment: In summary, the available evidence is currently insufficient to determine the role of this variant in disease. Therefore, it has been classified as a Variant of Uncertain Significance. Advanced modeling of protein sequence and biophysical properties (such as structural, functional, and spatial information, amino acid conservation, physicochemical variation, residue mobility, and thermodynamic stability) performed at Invitae indicates that this missense variant is not expected to disrupt APC protein function. ClinVar contains an entry for this variant (Variation ID: 826494). This variant has not been reported in the literature in individuals affected with APC-related conditions. This variant is present in population databases (rs756512551, gnomAD 0.003%). This sequence change replaces lysine, which is basic and polar, with glutamic acid, which is acidic and polar, at codon 2192 of the APC protein (p.Lys2192Glu).